The following is an entry in ClinVar:

ClinVar aggregate classification (germline): Likely benign. Review status: criteria provided, multiple submitters, no conflicts (2 of 4 stars). 5 submissions from 5 submitters: Likely benign (4). 1 of the submissions does not count toward it. Last evaluated 2025-07-14.

Conditions:
PRDM16-related disorder. Also called: PRDM16-related condition.
Left ventricular noncompaction 8 (LVNC8). Identifiers: Orphanet 154, Orphanet 54260, MedGen C3809288, MONDO:0014152, OMIM 615373.

Allele frequency attached by ClinVar (database versions not stated): ExAC 0.00003; TOPMed 0.00003; gnomAD 0.00004 and 0.00005; gnomAD exomes 0.00004; 1000 Genomes Project 30x 0.00016; 1000 Genomes Project 0.00020.
gnomAD v4.1: 64 of 1,613,024 alleles (0.004%); highest among the groups gnomAD compares: Middle Eastern, 0.049%; no homozygotes.

Submissions (5):

Labcorp Genetics (formerly Invitae), Labcorp
Classification: Likely benign for Left ventricular noncompaction 8. Last evaluated: 2025-07-14. Review status: criteria provided, single submitter. Criteria: Invitae Variant Classification Sherloc (09022015). Collection method: clinical testing. Allele origin: germline.

ARUP Laboratories, Molecular Genetics and Genomics, ARUP Laboratories
Classification: Likely benign. Last evaluated: 2023-09-28. Review status: criteria provided, single submitter. Criteria: ARUP Molecular Germline Variant Investigation Process 2024. Collection method: clinical testing. Allele origin: germline.

Blueprint Genetics
Classification: Likely benign. Last evaluated: 2023-09-20. Review status: criteria provided, single submitter. Criteria: ACMG Guidelines, 2015. Collection method: clinical testing. Allele origin: germline.

GeneDx
Classification: Likely benign. Last evaluated: 2017-07-06. Review status: criteria provided, single submitter. Criteria: GeneDx Variant Classification (06012015). Collection method: clinical testing. Allele origin: germline. Affected: yes.
Comment: This variant is considered likely benign or benign based on one or more of the following criteria: it is a conservative change, it occurs at a poorly conserved position in the protein, it is predicted to be benign by multiple in silico algorithms, and/or has population frequency not consistent with disease.

PreventionGenetics, part of Exact Sciences
Classification: Likely benign for PRDM16-related condition. Last evaluated: 2021-05-05. Review status: no assertion criteria provided. Collection method: clinical testing. Allele origin: germline. Not counted in ClinVar's aggregate classification.
Comment: This variant is classified as likely benign based on ACMG/AMP sequence variant interpretation guidelines (Richards et al. 2015 PMID: 25741868, with internal and published modifications).

NM_022114.4(PRDM16):c.777G>A (p.Ala259=)

Gene: PRDM16 (PR/SET domain 16; plus strand). Cytogenetic location: 1p36.32.
Variant type: single nucleotide variant.
Coding change: c.777G>A on transcript NM_022114.4 (MANE Select); coding-DNA position 777, G replaced by A.
Protein change: p.Ala259=; no amino-acid change (alanine 259 retained).
Molecular consequence: synonymous variant.
Genome position (GRCh38, 1-based): chr1:3,402,891, G>A. VCF-style: chr1-3402891-G-A. GRCh37 (hg19) VCF-style: chr1-3319455-G-A.
Other names: c.777G>A, p.Ala259= (NM_199454.3).
Identifiers: ClinVar variation 510518 (VCV000510518.16), dbSNP rs557978089, ClinGen allele CA543957.